The following is an entry in ClinVar:

ClinVar aggregate classification (germline): Likely benign (1 of 4 stars; one submission).

Conditions:
INPP5E-related disorder. Also called: INPP5E-related condition.

gnomAD v4.1: 7 of 1,612,032 alleles (0.00043%); highest among the groups gnomAD compares: South Asian, 0.0022%; no homozygotes.

Submission:

PreventionGenetics, part of Exact Sciences
Classification: Likely benign for INPP5E-related condition. Last evaluated: 2026-08-14. Review status: criteria provided, single submitter. Criteria: ACMG Guidelines, 2015. Collection method: clinical testing. Allele origin: germline.
Comment: This variant is classified as likely benign based on ACMG/AMP sequence variant interpretation guidelines (Richards et al. 2015 PMID: 25741868, with internal and published modifications).

NM_019892.6(INPP5E):c.606C>T (p.Ala202=)

Gene: INPP5E (inositol polyphosphate-5-phosphatase E; minus strand). Cytogenetic location: 9q34.3.
Variant type: single nucleotide variant.
Coding change: c.606C>T on transcript NM_019892.6 (MANE Select); coding-DNA position 606, C replaced by T.
Protein change: p.Ala202=; no amino-acid change (alanine 202 retained).
Molecular consequence: synonymous variant.
Genome position (GRCh38, 1-based): chr9:136,438,814, G>A on the plus strand (C>T on the coding strand, the complement: INPP5E is on the minus strand). VCF-style: chr9-136438814-G-A. GRCh37 (hg19) VCF-style: chr9-139333266-G-A.
Other names: c.606C>T, p.Ala202= (NM_001318502.2).
Identifiers: ClinVar variation 4995276 (VCV004995276.1).
Genomic context (GRCh38, chr9:136,438,814, plus strand): 5'-GCGGAGCTTGTAGTCTGCAAGATCCGAGTCGACCTTGTTTGCTGTCCTCAGGGAGTCGGA[G>A]GCGATGTCCAGGCTCAGGGCAGGCGGTGGGCGCGGGGGCAGCAGGCTGGGCAGCCTGGGC-3'
Protein context (NP_063945.2, residues 192-212): RPPPALSLDI[Ala202=]SDSLRTANKV